The following is an entry in ClinVar:

ClinVar aggregate classification (germline): Likely pathogenic (1 of 4 stars; one submission).

Conditions:
Creatine transporter deficiency (CCDS1). Also called: Creatine Transporter (CRTR) Deficiency; Mental retardation , X-linked with seizures, short stature and midface hypoplasia; Mental retardation , X-linked, with creatine transport deficiency; X-linked creatine transporter deficiency; X-linked creatine deficiency syndrome; SLC6A8-Related Creatine Transporter Deficiency. Identifiers: Orphanet 52503, MedGen C1845862, MONDO:0010305, OMIM 300352.

Submission:

Women's Health and Genetics/Laboratory Corporation of America, LabCorp
Classification: Likely pathogenic for Creatine transporter deficiency. Last evaluated: 2022-03-07. Review status: criteria provided, single submitter. Criteria: LabCorp Variant Classification Summary - May 2015. Collection method: clinical testing. Allele origin: germline.
Comment: Variant summary: SLC6A8 c.97_98delAA (p.Lys33GlyfsX155) results in a premature termination codon, predicted to cause a truncation of the encoded protein or absence of the protein due to nonsense mediated decay, which are commonly known mechanisms for disease. Truncations downstream of this position have been associated with Creatine Deficiency in HGMD. The variant was absent in 64319 control chromosomes (gnomAD). To our knowledge, no occurrence of c.97_98delAA in individuals affected with Creatine Deficiency, X-Linked and no experimental evidence demonstrating its impact on protein function have been reported. No clinical diagnostic laboratories have submitted clinical-significance assessments for this variant to ClinVar after 2014. Based on the evidence outlined above, the variant was classified as likely pathogenic.

NM_005629.4(SLC6A8):c.97_98del (p.Lys33fs)

Gene: SLC6A8 (solute carrier family 6 member 8; plus strand). Cytogenetic location: Xq28.
Variant type: Deletion.
Coding change: c.97_98del on transcript NM_005629.4 (MANE Select); coding-DNA positions 97 to 98, 2 bases deleted (AA; older notation c.97_98delAA).
Protein change: p.Lys33fs; shifts the reading frame from lysine 33.
Molecular consequence: frameshift variant.
Genome position (GRCh38, 1-based): chrX:153,688,671-153,688,672, AA deleted. VCF-style (leftmost placement, unchanged base first): chrX-153688670-CAA-C. GRCh37 (hg19) VCF-style: chrX-152954125-CAA-C.
Other names: c.97_98del, p.Lys33fs (NM_001142805.2); short protein forms K33fs.
Identifiers: ClinVar variation 1677028 (VCV001677028.1), dbSNP rs2148358457, ClinGen allele CA2573159463.
Genomic context (GRCh38, chrX:153,688,670, plus strand): 5'-CGTGTCCGGCGACGAGAAGAAGGGCCCCCTCATCGCGCCCGGGCCCGACGGGGCCCCGGC[CAA>C]GGGCGACGGCCCCGTGGGCCTGGGGACACCCGGCGGCCGCCTGGCCGTGCCGCCGCGCGA-3'